The following is an entry in ClinVar:

NM_000090.4(COL3A1):c.961G>A (p.Gly321Ser)

Gene: COL3A1 (collagen type III alpha 1 chain; plus strand). Cytogenetic location: 2q32.2.
Variant type: single nucleotide variant.
Coding change: c.961G>A on transcript NM_000090.4 (MANE Select); coding-DNA position 961, G replaced by A.
Protein change: p.Gly321Ser; replaces glycine 321 with serine.
Molecular consequence: missense variant.
Genome position (GRCh38, 1-based): chr2:188,992,193, G>A. VCF-style: chr2-188992193-G-A. GRCh37 (hg19) VCF-style: chr2-189856919-G-A.
Other names: short protein forms G321S.
Identifiers: ClinVar variation 1347930 (VCV001347930.6), dbSNP rs1688203788, ClinGen allele CA349850086.
Genomic context (GRCh38, chr2:188,992,193, plus strand): 5'-GACCAGCCATTCAGAATTAAAAGGATATTTGATGTAAACTTCTCTTTTTAGGGTGCTCGG[G>A]GTAATGACGGTGCTCGAGGCAGTGATGGTCAACCAGTAAGTAACTTTCTATCTCTTATGT-3'
Protein context (NP_000081.2, residues 311-331): PGLPGAAGAR[Gly321Ser]NDGARGSDGQ

ClinVar aggregate classification (germline): Likely pathogenic (1 of 4 stars; one submission).

Conditions:
Ehlers-Danlos syndrome, type 4 (EDSVASC). Also called: Ehlers-Danlos syndrome vascular type; Ehlers Danlos syndrome, ecchymotic type; Ehlers Danlos syndrome, arterial type; Ehlers Danlos syndrome, Sack-Barabas type; Ehlers-Danlos Syndrome Type IV. Identifiers: Orphanet 286, MedGen C0268338, MONDO:0017314, OMIM 130050.

Submission:

Labcorp Genetics (formerly Invitae), Labcorp
Classification: Likely pathogenic for Ehlers-Danlos syndrome, type 4. Last evaluated: 2021-12-27. Review status: criteria provided, single submitter. Criteria: Invitae Variant Classification Sherloc (09022015). Collection method: clinical testing. Allele origin: germline.
Comment: In summary, the currently available evidence indicates that the variant is pathogenic, but additional data are needed to prove that conclusively. Therefore, this variant has been classified as Likely Pathogenic. This variant disrupts the p.Gly321 amino acid residue in COL3A1. Other variant(s) that disrupt this residue have been observed in individuals with COL3A1-related conditions (PMID: 10706896, 24922459), which suggests that this may be a clinically significant amino acid residue. This variant disrupts the triple helix domain of COL3A1. Glycine residues within the Gly-Xaa-Yaa repeats of the triple helix domain are required for the structure and stability of fibrillar collagens (PMID: 7695699, 8218237, 19344236). In COL3A1, variants that affect these glycine residues are significantly enriched in individuals with disease (PMID: 24922459, 25758994) compared to the general population (ExAC). Advanced modeling of protein sequence and biophysical properties (such as structural, functional, and spatial information, amino acid conservation, physicochemical variation, residue mobility, and thermodynamic stability) performed at Invitae indicates that this missense variant is expected to disrupt COL3A1 protein function. This variant has not been reported in the literature in individuals affected with COL3A1-related conditions. This variant is not present in population databases (gnomAD no frequency). This sequence change replaces glycine, which is neutral and non-polar, with serine, which is neutral and polar, at codon 321 of the COL3A1 protein (p.Gly321Ser).

Literature cited by the submitters: PubMed 10706896; PubMed 24922459; PubMed 7695699; PubMed 8218237; PubMed 19344236; PubMed 25758994.